The following is an entry in ClinVar:

ClinVar aggregate classification (germline): Uncertain significance (1 of 4 stars; one submission).

Conditions:
Cardiovascular phenotype. Identifiers: MedGen CN230736.

gnomAD v4.1: 2 of 1,603,024 alleles (0.00012%); highest among the groups gnomAD compares: Admixed American, 0.0034%; no homozygotes.

Submission:

Ambry Genetics
Classification: Uncertain significance for Cardiovascular phenotype. Last evaluated: 2025-09-17. Review status: criteria provided, single submitter. Criteria: Ambry Variant Classification Scheme 2023. Collection method: clinical testing. Allele origin: germline.
Comment: The p.N1557H variant (also known as c.4669A>C), located in coding exon 26 of the APOB gene, results from an A to C substitution at nucleotide position 4669. The asparagine at codon 1557 is replaced by histidine, an amino acid with similar properties. This amino acid position is conserved. In addition, this alteration is predicted to be tolerated by in silico analysis. Based on the available evidence, the clinical significance of this variant remains unclear.

NM_000384.3(APOB):c.4669A>C (p.Asn1557His)

Gene: APOB (apolipoprotein B; minus strand). Cytogenetic location: 2p24.1.
Variant type: single nucleotide variant.
Coding change: c.4669A>C on transcript NM_000384.3 (MANE Select); coding-DNA position 4669, A replaced by C.
Protein change: p.Asn1557His; replaces asparagine 1557 with histidine.
Molecular consequence: missense variant.
Genome position (GRCh38, 1-based): chr2:21,012,199, T>G on the plus strand (A>C on the coding strand, the complement: APOB is on the minus strand). VCF-style: chr2-21012199-T-G. GRCh37 (hg19) VCF-style: chr2-21235071-T-G.
Other names: short protein forms N1557H.
Identifiers: ClinVar variation 4613637 (VCV004613637.1).
Genomic context (GRCh38, chr2:21,012,199, plus strand): 5'-TCCCATTGGTGTCAGATTTTAAAGTCAGCTCGTAGTTCTCATACTTTAGGGAAGCAGTAT[T>G]TTTAATGATGCCACTTTGCAGATCAGAGGTGGAGGTGAGGGAGAGGGTTCCATCTTCATA-3'
Protein context (NP_000375.3, residues 1547-1567): TSDLQSGIIK[Asn1557His]TASLKYENYE